The following is an entry in ClinVar:

NM_005529.7(HSPG2):c.9487C>T (p.Leu3163Phe)

Gene: HSPG2 (heparan sulfate proteoglycan 2; minus strand). Cytogenetic location: 1p36.12.
Variant type: single nucleotide variant.
Coding change: c.9487C>T on transcript NM_005529.7 (MANE Select); coding-DNA position 9487, C replaced by T.
Protein change: p.Leu3163Phe; replaces leucine 3163 with phenylalanine.
Molecular consequence: missense variant.
Genome position (GRCh38, 1-based): chr1:21,841,127, G>A on the plus strand (C>T on the coding strand, the complement: HSPG2 is on the minus strand). VCF-style: chr1-21841127-G-A. GRCh37 (hg19) VCF-style: chr1-22167620-G-A.
Other names: c.9490C>T, p.Leu3164Phe (NM_001291860.2); short protein forms L3163F, L3164F.
Identifiers: ClinVar variation 1001811 (VCV001001811.8), dbSNP rs776219965, ClinGen allele CA670432.

ClinVar aggregate classification (germline): Uncertain significance (1 of 4 stars; one submission).

Allele frequency attached by ClinVar (database versions not stated): gnomAD exomes below 0.00001; TOPMed below 0.00001; ExAC 0.00001; gnomAD 0.00001.
gnomAD v4.1: 2 of 1,612,496 alleles (0.00012%); highest among the groups gnomAD compares: African/African-American, 0.0027%; no homozygotes.

Submission:

Labcorp Genetics (formerly Invitae), Labcorp
Classification: Uncertain significance. Last evaluated: 2020-03-08. Review status: criteria provided, single submitter. Criteria: Invitae Variant Classification Sherloc (09022015). Collection method: clinical testing. Allele origin: germline.
Comment: This sequence change replaces leucine with phenylalanine at codon 3163 of the HSPG2 protein (p.Leu3163Phe). The leucine residue is weakly conserved and there is a small physicochemical difference between leucine and phenylalanine. This variant is present in population databases (rs776219965, ExAC 0.01%). This variant has not been reported in the literature in individuals with HSPG2-related conditions. Algorithms developed to predict the effect of missense changes on protein structure and function output the following: SIFT: "Tolerated"; PolyPhen-2: "Benign"; Align-GVGD: "Class C0". The phenylalanine amino acid residue is found in multiple mammalian species, suggesting that this missense change does not adversely affect protein function. These predictions have not been confirmed by published functional studies and their clinical significance is uncertain. In summary, the available evidence is currently insufficient to determine the role of this variant in disease. Therefore, it has been classified as a Variant of Uncertain Significance.